The following is an entry in ClinVar:

NM_005121.3(MED13):c.6368C>G (p.Ser2123Ter)

Gene: MED13 (mediator complex subunit 13; minus strand). Cytogenetic location: 17q23.2.
Variant type: single nucleotide variant.
Coding change: c.6368C>G on transcript NM_005121.3 (MANE Select); coding-DNA position 6368, C replaced by G.
Protein change: p.Ser2123Ter; replaces serine 2123 with a stop codon.
Molecular consequence: nonsense.
Genome position (GRCh38, 1-based): chr17:61,946,941, G>C on the plus strand (C>G on the coding strand, the complement: MED13 is on the minus strand). VCF-style: chr17-61946941-G-C. GRCh37 (hg19) VCF-style: chr17-60024302-G-C.
Other names: short protein forms S2123*.
Identifiers: ClinVar variation 3897259 (VCV003897259.1).

ClinVar aggregate classification (germline): Uncertain significance (1 of 4 stars; one submission).

Submission:

GeneDx
Classification: Uncertain significance. Last evaluated: 2024-11-04. Review status: criteria provided, single submitter. Criteria: GeneDx Variant Classification Process June 2021. Collection method: clinical testing. Allele origin: germline. Affected: yes.
Comment: Has not been previously published as pathogenic or benign to our knowledge; Nonsense variant predicted to result in protein truncation as the last 52 amino acid(s) are lost; Not observed at significant frequency in large population cohorts (gnomAD)